The following is an entry in ClinVar:

NM_001845.6(COL4A1):c.3762_3763delinsTT (p.Pro1255Ser)

Gene: COL4A1 (collagen type IV alpha 1 chain; minus strand). Cytogenetic location: 13q34.
Variant type: Indel.
Coding change: c.3762_3763delinsTT on transcript NM_001845.6 (MANE Select); coding-DNA positions 3762 to 3763, GC replaced by TT.
Protein change: p.Pro1255Ser; replaces proline 1255 with serine.
Molecular consequence: missense variant.
Genome position (GRCh38, 1-based): chr13:110,169,742-110,169,743, GC replaced by AA on the plus strand (GC replaced by TT on the coding strand, the reverse complement: COL4A1 is on the minus strand). VCF-style: chr13-110169742-GC-AA. GRCh37 (hg19) VCF-style: chr13-110822089-GC-AA.
Other names: short protein forms P1255S.
Identifiers: ClinVar variation 1720835 (VCV001720835.5), dbSNP rs2501757860, ClinGen allele CA2580087100.
Genomic context (GRCh38, chr13:110,169,742, plus strand): 5'-CTGGCCAGCCTGGATTTCCTTTGTCACCTTTAACTCCATCAATCCCAGGAAGCCCTGGAG[GC>AA]CCCATGGGTCCCGGAAGTCCTAATGGAAGAGAAGAAAGCCACACATTTGGGGTTAAATAT-3'
Protein context (NP_001836.3, residues 1245-1265): GLPGLPGPMG[Pro1255Ser]PGLPGIDGVK

ClinVar aggregate classification (germline): Uncertain significance (1 of 4 stars; one submission).

Submission:

Labcorp Genetics (formerly Invitae), Labcorp
Classification: Uncertain significance. Last evaluated: 2023-01-22. Review status: criteria provided, single submitter. Criteria: Invitae Variant Classification Sherloc (09022015). Collection method: clinical testing. Allele origin: germline.
Comment: In summary, the available evidence is currently insufficient to determine the role of this variant in disease. Therefore, it has been classified as a Variant of Uncertain Significance. Experimental studies and prediction algorithms are not available or were not evaluated, and the functional significance of this variant is currently unknown. ClinVar contains an entry for this variant (Variation ID: 1720835). This variant has not been reported in the literature in individuals affected with COL4A1-related conditions. Information on the frequency of this variant in the gnomAD database is not available, as this variant may be reported differently in the database. This sequence change replaces proline, which is neutral and non-polar, with serine, which is neutral and polar, at codon 1255 of the COL4A1 protein (p.Pro1255Ser).